The following is an entry in ClinVar:

NM_133433.4(NIPBL):c.494G>A (p.Arg165Lys)

Gene: NIPBL (NIPBL cohesin loading factor; plus strand). Cytogenetic location: 5p13.2.
Variant type: single nucleotide variant.
Coding change: c.494G>A on transcript NM_133433.4 (MANE Select); coding-DNA position 494, G replaced by A.
Protein change: p.Arg165Lys; replaces arginine 165 with lysine.
Molecular consequence: missense variant.
Genome position (GRCh38, 1-based): chr5:36,962,158, G>A. VCF-style: chr5-36962158-G-A. GRCh37 (hg19) VCF-style: chr5-36962260-G-A.
Other names: c.494G>A, p.Arg165Lys (NM_015384.5); short protein forms R165K.
Identifiers: ClinVar variation 1521483 (VCV001521483.6), dbSNP rs1355970346, ClinGen allele CA359476429.
Genomic context (GRCh38, chr5:36,962,158, plus strand): 5'-TTTTTATTTGGGTTTTGGGTTTTAGCCGGTTTGTGCCACCACAGACAAGCTCTGGGAACA[G>A]ATTTATGCCACAGCAAAATAGCCCAGTGCCTAGTCCATACGCCCCACAAAGCCCTGCAGG-3'
Protein context (NP_597677.2, residues 155-175): FVPPQTSSGN[Arg165Lys]FMPQQNSPVP

ClinVar aggregate classification (germline): Uncertain significance (1 of 4 stars; one submission).

Conditions:
Cornelia de Lange syndrome 1 (CDLS1). Also called: TYPUS DEGENERATIVUS AMSTELODAMENSIS; Brachmann de Lange syndrome; NIPBL-Related Cornelia de Lange Syndrome. Identifiers: Orphanet 199, MedGen C4551851, MONDO:0007387, OMIM 122470.

Allele frequency attached by ClinVar (database versions not stated): gnomAD 0.00001; TOPMed 0.00001.
gnomAD v4.1: 5 of 1,614,002 alleles (0.00031%); highest among the groups gnomAD compares: East Asian, 0.0067%; no homozygotes.

Submission:

Labcorp Genetics (formerly Invitae), Labcorp
Classification: Uncertain significance for Cornelia de Lange syndrome 1. Last evaluated: 2021-11-28. Review status: criteria provided, single submitter. Criteria: Invitae Variant Classification Sherloc (09022015). Collection method: clinical testing. Allele origin: germline.
Comment: This sequence change replaces arginine, which is basic and polar, with lysine, which is basic and polar, at codon 165 of the NIPBL protein (p.Arg165Lys). In summary, the available evidence is currently insufficient to determine the role of this variant in disease. Therefore, it has been classified as a Variant of Uncertain Significance. Advanced modeling of protein sequence and biophysical properties (such as structural, functional, and spatial information, amino acid conservation, physicochemical variation, residue mobility, and thermodynamic stability) performed at Invitae indicates that this missense variant is expected to disrupt NIPBL protein function. This variant has not been reported in the literature in individuals affected with NIPBL-related conditions. This variant is not present in population databases (gnomAD no frequency).